The following is an entry in ClinVar:

NM_000179.3(MSH6):c.3054C>A (p.Leu1018=)

Gene: MSH6 (mutS homolog 6; plus strand). Cytogenetic location: 2p16.3.
Variant type: single nucleotide variant.
Coding change: c.3054C>A on transcript NM_000179.3 (MANE Select); coding-DNA position 3054, C replaced by A.
Protein change: p.Leu1018=; no amino-acid change (leucine 1018 retained).
Molecular consequence: synonymous variant.
Genome position (GRCh38, 1-based): chr2:47,801,037, C>A. VCF-style: chr2-47801037-C-A. GRCh37 (hg19) VCF-style: chr2-48028176-C-A.
Other names: c.2664C>A, p.Leu888= (NM_001281492.2); c.2148C>A, p.Leu716= (NM_001281493.2, NM_001281494.2).
Identifiers: ClinVar variation 382654 (VCV000382654.22), dbSNP rs772191770, ClinGen allele CA069996.
Genomic context (GRCh38, chr2:47,801,037, plus strand): 5'-TACCAAGAAGGGCTGTAAACGATACTGGACCAAAACTATTGAAAAGAAGTTGGCTAATCT[C>A]ATAAATGCTGAAGAACGGAGGGATGTATCATTGAAGGACTGCATGCGGCGACTGTTCTAT-3'
Protein context (NP_000170.1, residues 1008-1028): TKTIEKKLAN[Leu1018=]INAEERRDVS

ClinVar aggregate classification (germline): Benign/Likely benign. Review status: criteria provided, multiple submitters, no conflicts (2 of 4 stars). 8 submissions from 8 submitters: Benign (1); Likely benign (7). Last evaluated 2025-01-02.

Conditions:
Lynch syndrome 5 (LYNCH5). Also called: Hereditary non-polyposis colorectal cancer, type 5; Colorectal cancer, hereditary nonpolyposis, type 5. Identifiers: Orphanet 144, MedGen C1833477, MONDO:0013710, OMIM 614350. Disease mechanism: loss of function.
Hereditary cancer-predisposing syndrome. Also called: Hereditary Cancer Syndrome; Hereditary neoplastic syndrome; Neoplastic Syndromes, Hereditary; Tumor predisposition. Identifiers: Orphanet 140162, MedGen C0027672, MeSH D009386, MONDO:0015356.
Hereditary nonpolyposis colorectal neoplasms. Identifiers: MedGen C0009405, MeSH D003123.
Lynch syndrome. Identifiers: Orphanet 144, MedGen C4552100, MONDO:0005835. Disease mechanism: loss of function.

Allele frequency attached by ClinVar (database versions not stated): ExAC 0.00001; TOPMed 0.00001.
gnomAD v4.1: 1 of 1,591,128 alleles (0.000063%); highest among the groups gnomAD compares: Non-Finnish European, 0.000086%; no homozygotes.

Submissions (8):

Myriad Genetics, Inc.
Classification: Benign for Lynch syndrome 5. Last evaluated: 2025-01-02. Review status: criteria provided, single submitter. Criteria: Myriad Autosomal Dominant, Autosomal Recessive and X-Linked Classification Criteria (2023). Collection method: clinical testing. Allele origin: unknown.
Comment: This variant is considered benign. This variant is a silent/synonymous amino acid change and it is not expected to impact splicing.

Labcorp Genetics (formerly Invitae), Labcorp
Classification: Likely benign for Hereditary nonpolyposis colorectal neoplasms. Last evaluated: 2024-08-15. Review status: criteria provided, single submitter. Criteria: Invitae Variant Classification Sherloc (09022015). Collection method: clinical testing. Allele origin: germline.

All of Us Research Program, National Institutes of Health
Classification: Likely benign for Lynch syndrome. Last evaluated: 2023-11-02. Review status: criteria provided, single submitter. Criteria: ACMG Guidelines, 2015. Collection method: clinical testing. Allele origin: germline. Inheritance: Autosomal dominant inheritance. Observed: 3 variant alleles, 3 heterozygotes.
Comment: This study involves interpretation of variants in research participants for the purpose of population health screening. Participant phenotype was not available at the time of variant classification. Additional details can be found in publication PMID: 35346344, PMCID: PMC8962531

Women's Health and Genetics/Laboratory Corporation of America, LabCorp
Classification: Likely benign. Last evaluated: 2023-09-16. Review status: criteria provided, single submitter. Criteria: LabCorp Variant Classification Summary - May 2015. Collection method: clinical testing. Allele origin: germline.

Quest Diagnostics Nichols Institute San Juan Capistrano
Classification: Likely benign. Last evaluated: 2020-07-03. Review status: criteria provided, single submitter. Criteria: Quest Diagnostics criteria. Collection method: clinical testing. Allele origin: unknown.

Color Diagnostics, LLC DBA Color Health
Classification: Likely benign for Hereditary cancer-predisposing syndrome. Last evaluated: 2017-07-17. Review status: criteria provided, single submitter. Criteria: ACMG Guidelines, 2015. Collection method: clinical testing. Allele origin: germline.

Ambry Genetics
Classification: Likely benign for Hereditary cancer-predisposing syndrome. Last evaluated: 2017-04-10. Review status: criteria provided, single submitter. Criteria: Ambry Variant Classification Scheme 2023. Collection method: clinical testing. Allele origin: germline.

GeneDx
Classification: Likely benign. Last evaluated: 2017-03-17. Review status: criteria provided, single submitter. Criteria: GeneDx Variant Classification (06012015). Collection method: clinical testing. Allele origin: germline. Affected: yes.
Comment: This variant is considered likely benign or benign based on one or more of the following criteria: it is a conservative change, it occurs at a poorly conserved position in the protein, it is predicted to be benign by multiple in silico algorithms, and/or has population frequency not consistent with disease.